The following is an entry in ClinVar:

NM_001267550.2(TTN):c.89708C>G (p.Thr29903Ser)

Genes: TTN-AS1 (TTN antisense RNA 1; plus strand), TTN (titin; minus strand). Cytogenetic location: 2q31.2.
Variant type: single nucleotide variant.
Coding change: c.89708C>G on transcript NM_001267550.2 (MANE Select); coding-DNA position 89708, C replaced by G.
Protein change: p.Thr29903Ser; replaces threonine 29903 with serine.
Molecular consequence: missense variant.
Genome position (GRCh38, 1-based): chr2:178,553,192, G>C on the plus strand (C>G on the coding strand, the complement: TTN is on the minus strand). VCF-style: chr2-178553192-G-C. GRCh37 (hg19) VCF-style: chr2-179417919-G-C.
Other names: p.T27335S:ACT>AGT; c.84785C>G, p.Thr28262Ser (NM_001256850.1); c.62513C>G, p.Thr20838Ser (NM_003319.4); c.82004C>G, p.Thr27335Ser (NM_133378.4); c.62888C>G, p.Thr20963Ser (NM_133432.3); c.63089C>G, p.Thr21030Ser (NM_133437.4); c.89708C>G (NM_001267550.1); short protein forms T27335S, T29903S, T28262S, T20838S, T21030S, T20963S.
Identifiers: ClinVar variation 191858 (VCV000191858.35), dbSNP rs72648240, ClinGen allele CA302419.
Genomic context (GRCh38, chr2:178,553,192, plus strand): 5'-GACTTAGGTTCACCAACTCCATTTTCTATTGTGAGAATATATTTTCCTGTATCATTGCGA[G>C]TAACTTGAGGAATGGTGAGTAATGAGGATGAATCAGTGTTTTCAATGCTGTATCTGGCAT-3'
Protein context (NP_001254479.2, residues 29893-29913): SSSLLTIPQV[Thr29903Ser]RNDTGKYILT

ClinVar aggregate classification (germline): Conflicting classifications of pathogenicity. Review status: criteria provided, conflicting classifications (1 of 4 stars). 18 submissions from 14 submitters: Uncertain significance (9); Benign (1); Likely benign (7). 1 of the submissions does not count toward it. Last evaluated 2026-05-01.

Conditions:
TTN-related disorder. Also called: TTN-related condition; TTN-related disease; TTN-related disorders.
Cardiovascular phenotype. Identifiers: MedGen CN230736.
Dilated cardiomyopathy 1G (CMD1G). Identifiers: Orphanet 154, MedGen C1858763, MONDO:0011400, OMIM 604145.
Autosomal recessive limb-girdle muscular dystrophy type 2J (LGMDR10). Also called: Limb-girdle muscular dystrophy, type 2J; MUSCULAR DYSTROPHY, LIMB-GIRDLE, AUTOSOMAL RECESSIVE 10. Identifiers: Orphanet 140922, MedGen C1837342, MONDO:0012127, OMIM 608807.
Ventricular fibrillation. Identifiers: MedGen C0042510, MONDO:0000190, HP:0001663.
Myopathy, myofibrillar, 9, with early respiratory failure (MFM9). Also called: EDSTROM MYOPATHY; MYOPATHY, PROXIMAL, WITH EARLY RESPIRATORY MUSCLE INVOLVEMENT; Hereditary myopathy with early respiratory failure; Myopathy, distal, with early respiratory failure, autosomal dominant. Identifiers: Orphanet 178464, Orphanet 34521, MedGen C1863599, MONDO:0011362, OMIM 603689.
Tibial muscular dystrophy (TMD). Also called: Udd Distal Myopathy – Tibial Muscular Dystrophy; Tibial muscular dystrophy, tardive; UDD MYOPATHY. Identifiers: Orphanet 609, MedGen C1838244, MONDO:0010870, OMIM 600334.
Early-onset myopathy with fatal cardiomyopathy (CMYO5). Also called: CONGENITAL MYOPATHY 5 WITH CARDIOMYOPATHY; Salih Myopathy. Identifiers: Orphanet 289377, MedGen C2673677, MONDO:0012714, OMIM 611705. Disease mechanism: loss of function.
Hypertrophic cardiomyopathy 9. Also called: Familial hypertrophic cardiomyopathy 9. Identifiers: MedGen C1861065, MONDO:0013412, OMIM 613765.

Allele frequency attached by ClinVar (database versions not stated): gnomAD 0.00013; TOPMed 0.00028; ESP Exome Variant Server 0.00049.

Submissions (18):

CeGaT Center for Human Genetics Tuebingen
Classification: Uncertain significance. Last evaluated: 2026-05-01. Review status: criteria provided, single submitter. Criteria: CeGaT Center For Human Genetics Tuebingen Variant Classification Criteria Version 2. Collection method: clinical testing. Allele origin: germline. Affected: yes. Observed: 1 variant allele.

Labcorp Genetics (formerly Invitae), Labcorp
Classification: Likely benign for Dilated cardiomyopathy 1G; Autosomal recessive limb-girdle muscular dystrophy type 2J. Last evaluated: 2026-01-18. Review status: criteria provided, single submitter. Criteria: Invitae Variant Classification Sherloc (09022015). Collection method: clinical testing. Allele origin: germline.

Women's Health and Genetics/Laboratory Corporation of America, LabCorp
Classification: Likely benign. Last evaluated: 2025-06-27. Review status: criteria provided, single submitter. Criteria: LabCorp Variant Classification Summary - May 2015. Collection method: clinical testing. Allele origin: germline.
Comment: Variant summary: TTN c.82004C>G (p.Thr27335Ser) results in a conservative amino acid change located in the A-band of the encoded protein sequence. Algorithms developed to predict the effect of missense changes on protein structure and function are either unavailable or do not agree on the potential impact of this missense change. The variant allele was found at a frequency of 0.0003 in 1613714 control chromosomes, predominantly at a frequency of 0.0032 within the Ashkenazi Jewish subpopulation in the gnomAD database, including 1 homozygote. The observed variant frequency within Ashkenazi Jewish control individuals in the gnomAD database is approximately 8.19 fold of the estimated maximal expected allele frequency for a pathogenic variant in TTN causing Dilated Cardiomyopathy phenotype (0.00039). c.82004C>G had been identified in at least one individual affected with cardiomyopathy, without strong evidence of causality (example: Sepehrkhouy_2017). These report(s) do not provide unequivocal conclusions about association of the variant with Dilated Cardiomyopathy. To our knowledge, no experimental evidence demonstrating an impact on protein function has been reported. The following publication has been ascertained in the context of this evaluation (PMID: 28365402). ClinVar contains an entry for this variant (Variation ID: 191858). Based on the evidence outlined above, the variant was classified as likely benign.

Molecular Diagnostic Laboratory for Inherited Cardiovascular Disease, Montreal Heart Institute
Classification: Likely benign. Last evaluated: 2025-04-09. Review status: criteria provided, single submitter. Criteria: ACMG Guidelines, 2015. Collection method: clinical testing. Allele origin: germline. Affected: no.

Blueprint Genetics
Classification: Likely benign. Last evaluated: 2023-06-26. Review status: criteria provided, single submitter. Criteria: ACMG Guidelines, 2015. Collection method: clinical testing. Allele origin: germline.

Athena Diagnostics
Classification: Benign. Last evaluated: 2021-02-16. Review status: criteria provided, single submitter. Criteria: Athena Diagnostics criteria. Collection method: clinical testing. Allele origin: unknown.

Department of Pathology and Laboratory Medicine, Sinai Health System
Classification: Uncertain significance for Tibial muscular dystrophy; Myopathy, myofibrillar, 9, with early respiratory failure; Dilated cardiomyopathy 1G; Autosomal recessive limb-girdle muscular dystrophy type 2J; Early-onset myopathy with fatal cardiomyopathy; Hypertrophic cardiomyopathy 9. Last evaluated: 2020-07-15. Review status: criteria provided, single submitter. Criteria: ACMG Guidelines, 2015. Collection method: research. Allele origin: germline.

GeneDx
Classification: Likely benign. Last evaluated: 2020-06-24. Review status: criteria provided, single submitter. Criteria: GeneDx Variant Classification Process June 2021. Collection method: clinical testing. Allele origin: germline. Affected: yes.

Ambry Genetics
Classification: Likely benign for Cardiovascular phenotype. Last evaluated: 2019-10-21. Review status: criteria provided, single submitter. Criteria: Ambry Variant Classification Scheme 2023. Collection method: clinical testing. Allele origin: germline.

Center for Advanced Laboratory Medicine, UC San Diego Health, University of California San Diego
Classification: Likely benign for Ventricular fibrillation. Last evaluated: 2018-10-02. Review status: criteria provided, single submitter. Criteria: ACMG Guidelines, 2015. Collection method: clinical testing. Allele origin: germline. Affected: yes. Observed: 2 variant alleles.

Illumina Laboratory Services, Illumina
Classification: Uncertain significance for Autosomal recessive limb-girdle muscular dystrophy type 2J. Last evaluated: 2018-01-15. Review status: criteria provided, single submitter. Criteria: ICSL Variant Classification Criteria 13 December 2019. Collection method: clinical testing. Allele origin: germline.

Illumina Laboratory Services, Illumina
Classification: Uncertain significance for Early-onset myopathy with fatal cardiomyopathy. Last evaluated: 2018-01-15. Review status: criteria provided, single submitter. Criteria: ICSL Variant Classification Criteria 13 December 2019. Collection method: clinical testing. Allele origin: germline.

Illumina Laboratory Services, Illumina
Classification: Uncertain significance for Tibial muscular dystrophy. Last evaluated: 2018-01-15. Review status: criteria provided, single submitter. Criteria: ICSL Variant Classification Criteria 13 December 2019. Collection method: clinical testing. Allele origin: germline.

Illumina Laboratory Services, Illumina
Classification: Uncertain significance for Dilated cardiomyopathy 1G. Last evaluated: 2018-01-15. Review status: criteria provided, single submitter. Criteria: ICSL Variant Classification Criteria 13 December 2019. Collection method: clinical testing. Allele origin: germline.

Illumina Laboratory Services, Illumina
Classification: Uncertain significance for Myopathy, myofibrillar, 9, with early respiratory failure. Last evaluated: 2018-01-15. Review status: criteria provided, single submitter. Criteria: ICSL Variant Classification Criteria 13 December 2019. Collection method: clinical testing. Allele origin: germline.

Eurofins Ntd Llc (ga)
Classification: Uncertain significance. Last evaluated: 2015-08-18. Review status: criteria provided, single submitter. Criteria: EGL Classification Definitions 2015. Collection method: clinical testing. Allele origin: germline. Observed: 1 variant allele, 1 heterozygote.

Biesecker Lab/Clinical Genomics Section, National Institutes of Health
Classification: Uncertain significance. Last evaluated: 2013-06-24. Review status: criteria provided, single submitter. Criteria: Ng et al. (Circ Cardiovasc Genet. 2013). Collection method: research. Allele origin: unknown. Observed: 1 variant allele. Study: ClinSeq.
Comment: The study set was not selected for affection status in relation to any cancer. Pathogenicity categories were based on literature curation. See Pubmed ID:23861362 for details.

Medical sequencing

PreventionGenetics, part of Exact Sciences
Classification: Likely benign for TTN-related condition. Last evaluated: 2020-06-10. Review status: no assertion criteria provided. Collection method: clinical testing. Allele origin: germline. Not counted in ClinVar's aggregate classification.
Comment: This variant is classified as likely benign based on ACMG/AMP sequence variant interpretation guidelines (Richards et al. 2015 PMID: 25741868, with internal and published modifications).

Literature cited by the submitters: PubMed 28365402 (cited by Women's Health and Genetics/Laboratory Corporation of America, LabCorp); PubMed 23861362 (cited by Ambry Genetics).